The following is an entry in ClinVar:

ClinVar aggregate classification (germline): Likely benign (0 of 4 stars; one submission).

Conditions:
SLMAP-related disorder. Also called: SLMAP-related condition.

gnomAD v4.1: 401 of 1,551,126 alleles (0.026%); highest among the groups gnomAD compares: Non-Finnish European, 0.0037%; no homozygotes.

Submission:

PreventionGenetics, part of Exact Sciences
Classification: Likely benign for SLMAP-related condition. Last evaluated: 2019-06-13. Review status: no assertion criteria provided. Collection method: clinical testing. Allele origin: germline.
Comment: This variant is classified as likely benign based on ACMG/AMP sequence variant interpretation guidelines (Richards et al. 2015 PMID: 25741868, with internal and published modifications).

NM_001377540.1(SLMAP):c.2485C>A (p.Leu829Ile)

Gene: SLMAP (sarcolemma associated protein; plus strand). Cytogenetic location: 3p14.3.
Variant type: single nucleotide variant.
Coding change: c.2485C>A on transcript NM_001377540.1 (MANE Select); coding-DNA position 2485, C replaced by A.
Protein change: p.Leu829Ile; replaces leucine 829 with isoleucine.
Molecular consequence: missense variant. On other transcripts: non-coding transcript variant (1), intron variant (10).
Genome position (GRCh38, 1-based): chr3:57,925,884, C>A. VCF-style: chr3-57925884-C-A. GRCh37 (hg19) VCF-style: chr3-57911611-C-A.
Other names: c.1036C>A, p.Leu346Ile (NM_001311178.2); c.2434C>A, p.Leu812Ile (NM_001377541.1, NM_001377542.1); c.2422C>A, p.Leu808Ile (NM_001377545.1); c.2383C>A, p.Leu795Ile (NM_001377549.1); c.2371C>A, p.Leu791Ile (NM_001377552.1); c.2362C>A, p.Leu788Ile (NM_001377555.1); c.2320C>A, p.Leu774Ile (NM_001377559.1); c.2311C>A, p.Leu771Ile (NM_001377562.1, NM_001377921.1); and 14 more; short protein forms L305I, L346I, L733I, L750I, L754I, L767I, L771I, L774I.
Identifiers: ClinVar variation 3352459 (VCV003352459.1).